The following is an entry in ClinVar:

NM_000222.3(KIT):c.570G>A (p.Gln190=)

Gene: KIT (KIT proto-oncogene, receptor tyrosine kinase; plus strand). Cytogenetic location: 4q12.
Variant type: single nucleotide variant.
Coding change: c.570G>A on transcript NM_000222.3 (MANE Select); coding-DNA position 570, G replaced by A.
Protein change: p.Gln190=; no amino-acid change (glutamine 190 retained).
Molecular consequence: synonymous variant.
Genome position (GRCh38, 1-based): chr4:54,698,516, G>A. VCF-style: chr4-54698516-G-A. GRCh37 (hg19) VCF-style: chr4-55564682-G-A.
Other names: c.570G>A, p.Gln190= (NM_001093772.2, NM_001385284.1, NM_001385285.1 and 4 more transcripts).
Identifiers: ClinVar variation 1109547 (VCV001109547.12), dbSNP rs1437734029, ClinGen allele CA439409356.

ClinVar aggregate classification (germline): Benign/Likely benign. Review status: criteria provided, multiple submitters, no conflicts (2 of 4 stars). 3 submissions from 3 submitters: Benign (1); Likely benign (2). Last evaluated 2026-06-02.

Conditions:
Gastrointestinal stromal tumor. Also called: Gastrointestinal stroma tumor; Gastrointestinal stromal tumor, somatic. Identifiers: Orphanet 44890, MedGen C0238198, MeSH D046152, MONDO:0011719, OMIM 606764, HP:0100723.
Hereditary cancer-predisposing syndrome. Also called: Neoplastic Syndromes, Hereditary; Hereditary Cancer Syndrome; Hereditary neoplastic syndrome; Tumor predisposition. Identifiers: Orphanet 140162, MedGen C0027672, MeSH D009386, MONDO:0015356.

Allele frequency attached by ClinVar (database versions not stated): TOPMed below 0.00001; gnomAD 0.00001; gnomAD exomes 0.00001.
gnomAD v4.1: 15 of 1,614,072 alleles (0.00093%); highest among the groups gnomAD compares: Non-Finnish European, 0.0013%; no homozygotes.

Submissions (3):

Myriad Genetics, Inc.
Classification: Benign for Gastrointestinal stromal tumor. Last evaluated: 2026-06-02. Review status: criteria provided, single submitter. Criteria: Myriad Autosomal Dominant, Autosomal Recessive and X-Linked Classification Criteria (2023). Collection method: clinical testing. Allele origin: unknown.
Comment: This variant is considered benign. This variant is a silent/synonymous amino acid change and it is not expected to impact splicing.

Labcorp Genetics (formerly Invitae), Labcorp
Classification: Likely benign for Gastrointestinal stromal tumor. Last evaluated: 2025-12-21. Review status: criteria provided, single submitter. Criteria: Invitae Variant Classification Sherloc (09022015). Collection method: clinical testing. Allele origin: germline.

Ambry Genetics
Classification: Likely benign for Hereditary cancer-predisposing syndrome. Last evaluated: 2020-03-25. Review status: criteria provided, single submitter. Criteria: Ambry Variant Classification Scheme 2023. Collection method: clinical testing. Allele origin: germline.